The following is an entry in ClinVar:

NM_003482.4(KMT2D):c.1912C>G (p.Pro638Ala)

Gene: KMT2D (lysine methyltransferase 2D; minus strand). Cytogenetic location: 12q13.12.
Variant type: single nucleotide variant.
Coding change: c.1912C>G on transcript NM_003482.4 (MANE Select); coding-DNA position 1912, C replaced by G.
Protein change: p.Pro638Ala; replaces proline 638 with alanine.
Molecular consequence: missense variant.
Genome position (GRCh38, 1-based): chr12:49,051,771, G>C on the plus strand (C>G on the coding strand, the complement: KMT2D is on the minus strand). VCF-style: chr12-49051771-G-C. GRCh37 (hg19) VCF-style: chr12-49445554-G-C.
Other names: short protein forms P638A.
Identifiers: ClinVar variation 931139 (VCV000931139.9), dbSNP rs372919446, ClinGen allele CA6548401.

ClinVar aggregate classification (germline): Conflicting classifications of pathogenicity. Review status: criteria provided, conflicting classifications (1 of 4 stars). 3 submissions from 3 submitters: Uncertain significance (1); Benign (1); Likely benign (1). Last evaluated 2025-11-13.

Conditions:
KMT2D-related disorder. Also called: KMT2D-Related Disorders.
Kabuki syndrome. Also called: Kabuki make-up syndrome; NIIKAWA-KUROKI SYNDROME. Identifiers: Orphanet 2322, MedGen C0796004, MONDO:0016512.
Kabuki syndrome 1 (KABUK1). Also called: KMT2D-Related Kabuki Syndrome. Identifiers: Orphanet 2322, MedGen CN030661, MONDO:0007843, OMIM 147920.

Allele frequency attached by ClinVar (database versions not stated): TOPMed 0.00001.
gnomAD v4.1: 27 of 1,610,834 alleles (0.0017%); highest among the groups gnomAD compares: Middle Eastern, 0.066%; no homozygotes.

Submissions (3):

Labcorp Genetics (formerly Invitae), Labcorp
Classification: Benign for Kabuki syndrome. Last evaluated: 2025-11-13. Review status: criteria provided, single submitter. Criteria: Invitae Variant Classification Sherloc (09022015). Collection method: clinical testing. Allele origin: germline.

PreventionGenetics, part of Exact Sciences
Classification: Uncertain significance for KMT2D-related condition. Last evaluated: 2022-09-20. Review status: criteria provided, single submitter. Criteria: ACMG Guidelines, 2015. Collection method: clinical testing. Allele origin: germline.
Comment: The KMT2D c.1912C>G variant is predicted to result in the amino acid substitution p.Pro638Ala. To our knowledge, this variant has not been reported in the literature. This variant is reported in 0.0087% of alleles in individuals of Latino descent in gnomAD. At this time, the clinical significance of this variant is uncertain due to the absence of conclusive functional and genetic evidence.

Centre for Mendelian Genomics, University Medical Centre Ljubljana
Classification: Likely benign for Kabuki syndrome 1. Last evaluated: 2019-07-01. Review status: criteria provided, single submitter. Criteria: ACMG Guidelines, 2015. Collection method: clinical testing. Allele origin: unknown. Affected: yes.
Comment: This variant was classified as: Likely benign. The following ACMG criteria were applied in classifying this variant: BP4,BS2.